The following is an entry in ClinVar:

ClinVar aggregate classification (germline): Uncertain significance (1 of 4 stars; one submission).

Conditions:
Early Myoclonic Encephalopathy. Identifiers: MedGen C0270855.

Submission:

Labcorp Genetics (formerly Invitae), Labcorp
Classification: Uncertain significance for Early Myoclonic Encephalopathy. Last evaluated: 2025-04-28. Review status: criteria provided, single submitter. Criteria: Invitae Variant Classification Sherloc (09022015). Collection method: clinical testing. Allele origin: germline.
Comment: This sequence change replaces asparagine, which is neutral and polar, with histidine, which is basic and polar, at codon 1727 of the JMJD1C protein (p.Asn1727His). This variant is not present in population databases (gnomAD no frequency). This variant has not been reported in the literature in individuals affected with JMJD1C-related conditions. Invitae Evidence Modeling of protein sequence and biophysical properties (such as structural, functional, and spatial information, amino acid conservation, physicochemical variation, residue mobility, and thermodynamic stability) has been performed for this missense variant. However, the output from this modeling did not meet the statistical confidence thresholds required to predict the impact of this variant on JMJD1C protein function. In summary, the available evidence is currently insufficient to determine the role of this variant in disease. Therefore, it has been classified as a Variant of Uncertain Significance.

NM_032776.3(JMJD1C):c.5179A>C (p.Asn1727His)

Gene: JMJD1C (jumonji domain containing 1C; minus strand). Cytogenetic location: 10q21.3.
Variant type: single nucleotide variant.
Coding change: c.5179A>C on transcript NM_032776.3 (MANE Select); coding-DNA position 5179, A replaced by C.
Protein change: p.Asn1727His; replaces asparagine 1727 with histidine.
Molecular consequence: missense variant.
Genome position (GRCh38, 1-based): chr10:63,200,573, T>G on the plus strand (A>C on the coding strand, the complement: JMJD1C is on the minus strand). VCF-style: chr10-63200573-T-G. GRCh37 (hg19) VCF-style: chr10-64960333-T-G.
Other names: c.4633A>C, p.Asn1545His (NM_001282948.2, NM_001318154.2); c.4315A>C, p.Asn1439His (NM_001318153.2); c.5065A>C, p.Asn1689His (NM_001322252.2); c.4522A>C, p.Asn1508His (NM_001322254.2, NM_001322258.2); short protein forms N1439H, N1508H, N1545H, N1689H, N1727H.
Identifiers: ClinVar variation 4741587 (VCV004741587.1).